The following is an entry in ClinVar:

ClinVar aggregate classification (germline): Uncertain significance (1 of 4 stars; one submission).

Allele frequency attached by ClinVar (database versions not stated): gnomAD exomes below 0.00001; ExAC 0.00002; gnomAD 0.00002; TOPMed 0.00003.
gnomAD v4.1: 9 of 1,589,030 alleles (0.00057%); highest among the groups gnomAD compares: African/African-American, 0.011%; no homozygotes.

Submission:

Labcorp Genetics (formerly Invitae), Labcorp
Classification: Uncertain significance. Last evaluated: 2021-09-02. Review status: criteria provided, single submitter. Criteria: Invitae Variant Classification Sherloc (09022015). Collection method: clinical testing. Allele origin: germline.
Comment: This sequence change replaces valine with methionine at codon 961 of the TUBGCP6 protein (p.Val961Met). The valine residue is weakly conserved and there is a small physicochemical difference between valine and methionine. This variant is present in population databases (rs754037830, ExAC 0.02%). This variant has not been reported in the literature in individuals affected with TUBGCP6-related conditions. Algorithms developed to predict the effect of missense changes on protein structure and function output the following: SIFT: "Tolerated"; PolyPhen-2: "Benign"; Align-GVGD: "Class C0". The methionine amino acid residue is found in multiple mammalian species, which suggests that this missense change does not adversely affect protein function. In summary, the available evidence is currently insufficient to determine the role of this variant in disease. Therefore, it has been classified as a Variant of Uncertain Significance.

NM_020461.4(TUBGCP6):c.2881G>A (p.Val961Met)

Gene: TUBGCP6 (tubulin gamma complex component 6; minus strand). Cytogenetic location: 22q13.33.
Variant type: single nucleotide variant.
Coding change: c.2881G>A on transcript NM_020461.4 (MANE Select); coding-DNA position 2881, G replaced by A.
Protein change: p.Val961Met; replaces valine 961 with methionine.
Molecular consequence: missense variant.
Genome position (GRCh38, 1-based): chr22:50,221,478, C>T on the plus strand (G>A on the coding strand, the complement: TUBGCP6 is on the minus strand). VCF-style: chr22-50221478-C-T. GRCh37 (hg19) VCF-style: chr22-50659907-C-T.
Other names: short protein forms V961M.
Identifiers: ClinVar variation 1419415 (VCV001419415.3), dbSNP rs754037830, ClinGen allele CA10308097.